The following is an entry in ClinVar:

NM_006623.4(PHGDH):c.24A>T (p.Lys8Asn)

Gene: PHGDH (phosphoglycerate dehydrogenase; plus strand). Cytogenetic location: 1p12.
Variant type: single nucleotide variant.
Coding change: c.24A>T on transcript NM_006623.4 (MANE Select); coding-DNA position 24, A replaced by T.
Protein change: p.Lys8Asn; replaces lysine 8 with asparagine.
Molecular consequence: missense variant.
Genome position (GRCh38, 1-based): chr1:119,712,046, A>T. VCF-style: chr1-119712046-A-T. GRCh37 (hg19) VCF-style: chr1-120254669-A-T.
Other names: short protein forms K8N.
Identifiers: ClinVar variation 1473047 (VCV001473047.3), dbSNP rs2101136375, ClinGen allele CA341414743.

ClinVar aggregate classification (germline): Uncertain significance (1 of 4 stars; one submission).

Conditions:
PHGDH deficiency. Identifiers: Orphanet 79351, MedGen C1866174, MONDO:0011152, OMIM 601815.

Submission:

Labcorp Genetics (formerly Invitae), Labcorp
Classification: Uncertain significance for PHGDH deficiency. Last evaluated: 2021-11-27. Review status: criteria provided, single submitter. Criteria: Invitae Variant Classification Sherloc (09022015). Collection method: clinical testing. Allele origin: germline.
Comment: This sequence change replaces lysine, which is basic and polar, with asparagine, which is neutral and polar, at codon 8 of the PHGDH protein (p.Lys8Asn). This variant is not present in population databases (gnomAD no frequency). This variant has not been reported in the literature in individuals affected with PHGDH-related conditions. Algorithms developed to predict the effect of missense changes on protein structure and function (SIFT, PolyPhen-2, Align-GVGD) all suggest that this variant is likely to be tolerated. In summary, the available evidence is currently insufficient to determine the role of this variant in disease. Therefore, it has been classified as a Variant of Uncertain Significance.